The following is an entry in ClinVar:

ClinVar aggregate classification (germline): Uncertain significance. Review status: criteria provided, multiple submitters, no conflicts (2 of 4 stars). 2 submissions from 2 submitters: Uncertain significance (2). Last evaluated 2025-03-03.

Conditions:
Inborn genetic diseases. Identifiers: MedGen C0950123, MeSH D030342.
Mosaic variegated aneuploidy syndrome 1 (MVA1). Also called: Warburton-Anyane-Yeboa syndrome. Identifiers: Orphanet 1052, MedGen C1850343, MONDO:0009759, OMIM 257300.

Allele frequency attached by ClinVar (database versions not stated): gnomAD exomes below 0.00001 and 0.00001; TOPMed below 0.00001.
gnomAD v4.1: 1 of 1,612,480 alleles (0.000062%); highest among the groups gnomAD compares: Non-Finnish European, 0.000085%; no homozygotes.

Submissions (2):

Labcorp Genetics (formerly Invitae), Labcorp
Classification: Uncertain significance for Mosaic variegated aneuploidy syndrome 1. Last evaluated: 2025-03-03. Review status: criteria provided, single submitter. Criteria: Invitae Variant Classification Sherloc (09022015). Collection method: clinical testing. Allele origin: germline.
Comment: This sequence change replaces alanine, which is neutral and non-polar, with threonine, which is neutral and polar, at codon 505 of the BUB1B protein (p.Ala505Thr). This variant is present in population databases (no rsID available, gnomAD 0.0009%). This variant has not been reported in the literature in individuals affected with BUB1B-related conditions. ClinVar contains an entry for this variant (Variation ID: 1016392). An algorithm developed to predict the effect of missense changes on protein structure and function outputs the following: PolyPhen-2: "Benign". The threonine amino acid residue is found in multiple mammalian species, which suggests that this missense change does not adversely affect protein function. In summary, the available evidence is currently insufficient to determine the role of this variant in disease. Therefore, it has been classified as a Variant of Uncertain Significance.

Ambry Genetics
Classification: Uncertain significance for Inborn genetic diseases. Last evaluated: 2023-09-23. Review status: criteria provided, single submitter. Criteria: Ambry Variant Classification Scheme 2023. Collection method: clinical testing. Allele origin: germline.

NM_001211.6(BUB1B):c.1513G>A (p.Ala505Thr)

Gene: BUB1B (BUB1 mitotic checkpoint serine/threonine kinase B; plus strand). Cytogenetic location: 15q15.1.
Variant type: single nucleotide variant.
Coding change: c.1513G>A on transcript NM_001211.6 (MANE Select); coding-DNA position 1513, G replaced by A.
Protein change: p.Ala505Thr; replaces alanine 505 with threonine.
Molecular consequence: missense variant.
Genome position (GRCh38, 1-based): chr15:40,200,355, G>A. VCF-style: chr15-40200355-G-A. GRCh37 (hg19) VCF-style: chr15-40492556-G-A.
Other names: short protein forms A505T.
Identifiers: ClinVar variation 1016392 (VCV001016392.12), dbSNP rs1158168896, ClinGen allele CA391690437.